The following is an entry in ClinVar:

ClinVar aggregate classification (germline): Uncertain significance (1 of 4 stars; one submission).

Submission:

Labcorp Genetics (formerly Invitae), Labcorp
Classification: Uncertain significance. Last evaluated: 2022-10-13. Review status: criteria provided, single submitter. Criteria: Invitae Variant Classification Sherloc (09022015). Collection method: clinical testing. Allele origin: germline.
Comment: In summary, the available evidence is currently insufficient to determine the role of this variant in disease. Therefore, it has been classified as a Variant of Uncertain Significance. This variant is not present in population databases (gnomAD no frequency). Advanced modeling of protein sequence and biophysical properties (such as structural, functional, and spatial information, amino acid conservation, physicochemical variation, residue mobility, and thermodynamic stability) performed at Invitae indicates that this missense variant is expected to disrupt PDE6A protein function. ClinVar contains an entry for this variant (Variation ID: 1018495). This missense change has been observed in individual(s) with retinitis pigmentosa (PMID: 31370859). This sequence change replaces glutamic acid, which is acidic and polar, with glycine, which is neutral and non-polar, at codon 417 of the PDE6A protein (p.Glu417Gly).

Literature cited by the submitters: PubMed 31370859.

NM_000440.3(PDE6A):c.1250A>G (p.Glu417Gly)

Gene: PDE6A (phosphodiesterase 6A; minus strand). Cytogenetic location: 5q32.
Variant type: single nucleotide variant.
Coding change: c.1250A>G on transcript NM_000440.3 (MANE Select); coding-DNA position 1250, A replaced by G.
Protein change: p.Glu417Gly; replaces glutamic acid 417 with glycine.
Molecular consequence: missense variant.
Genome position (GRCh38, 1-based): chr5:149,899,388, T>C on the plus strand (A>G on the coding strand, the complement: PDE6A is on the minus strand). VCF-style: chr5-149899388-T-C. GRCh37 (hg19) VCF-style: chr5-149278951-T-C.
Other names: short protein forms E417G.
Identifiers: ClinVar variation 1018495 (VCV001018495.8), dbSNP rs1752881126, ClinGen allele CA361696713.